The following is an entry in ClinVar:

ClinVar aggregate classification (germline): Benign. Review status: criteria provided, single submitter (1 of 4 stars). 2 submissions from 1 submitter: Benign (2). Last evaluated 2018-01-13.

Conditions:
Craniometaphyseal dysplasia, autosomal dominant (CMDD). Identifiers: Orphanet 1522, MedGen C1852502, MONDO:0007397, OMIM 123000.
Chondrocalcinosis 2. Also called: CALCIUM GOUT; CALCIUM PYROPHOSPHATE ARTHROPATHY; Familial calcium pyrophosphate deposition. Identifiers: Orphanet 1416, MedGen C0856830, MONDO:0007319, OMIM 118600.

Allele frequency attached by ClinVar (database versions not stated): gnomAD 0.01240 and 0.01317; TOPMed 0.01383; 1000 Genomes Project 0.01577; 1000 Genomes Project 30x 0.01843.

Submissions (2):

Illumina Laboratory Services, Illumina
Classification: Benign for Chondrocalcinosis 2. Last evaluated: 2018-01-13. Review status: criteria provided, single submitter. Criteria: ICSL Variant Classification Criteria 13 December 2019. Collection method: clinical testing. Allele origin: germline.
Comment: This variant was observed in the ICSL laboratory as part of a predisposition screen in an ostensibly healthy population. It had not been previously curated by ICSL or reported in the Human Gene Mutation Database (HGMD: prior to June 1st, 2018), and was therefore a candidate for classification through an automated scoring system. Utilizing variant allele frequency, disease prevalence and penetrance estimates, and inheritance mode, an automated score was calculated to assess if this variant is too frequent to cause the disease. Based on the score and internal cut-off values, a variant classified as benign is not then subjected to further curation. The score for this variant resulted in a classification of benign for this disease.

Illumina Laboratory Services, Illumina
Classification: Benign for Craniometaphyseal dysplasia, autosomal dominant. Last evaluated: 2018-01-13. Review status: criteria provided, single submitter. Criteria: ICSL Variant Classification Criteria 13 December 2019. Collection method: clinical testing. Allele origin: germline.
Comment: the same text as in the submission from Illumina Laboratory Services, Illumina above.

NM_054027.6(ANKH):c.*4251T>C

Genes: ANKH (ANKH inorganic pyrophosphate transport regulator; minus strand), OTULIN (OTU deubiquitinase with linear linkage specificity; plus strand). Cytogenetic location: 5p15.2.
Variant type: single nucleotide variant.
Coding change: c.*4251T>C on transcript NM_054027.6 (MANE Select); 4251 bases downstream of the stop codon, T replaced by C.
Molecular consequence: 3 prime UTR variant.
Genome position (GRCh38, 1-based): chr5:14,706,946, A>G on the plus strand (T>C on the coding strand, the complement: ANKH is on the minus strand). VCF-style: chr5-14706946-A-G. GRCh37 (hg19) VCF-style: chr5-14707055-A-G.
Identifiers: ClinVar variation 351415 (VCV000351415.5), dbSNP rs77573132, ClinGen allele CA10623157.